The following is an entry in ClinVar:

ClinVar aggregate classification (germline): Uncertain significance (1 of 4 stars; one submission).

Allele frequency attached by ClinVar (database versions not stated): gnomAD exomes below 0.00001 and 0.00001; TOPMed below 0.00001; gnomAD 0.00001.
gnomAD v4.1: 3 of 1,613,522 alleles (0.00019%); highest among the groups gnomAD compares: African/African-American, 0.0013%; no homozygotes.

Submission:

Labcorp Genetics (formerly Invitae), Labcorp
Classification: Uncertain significance. Last evaluated: 2024-10-28. Review status: criteria provided, single submitter. Criteria: Invitae Variant Classification Sherloc (09022015). Collection method: clinical testing. Allele origin: germline.
Comment: This sequence change replaces proline, which is neutral and non-polar, with alanine, which is neutral and non-polar, at codon 1199 of the CYFIP2 protein (p.Pro1199Ala). This variant is present in population databases (no rsID available, gnomAD 0.007%). This variant has not been reported in the literature in individuals affected with CYFIP2-related conditions. ClinVar contains an entry for this variant (Variation ID: 1382152). Experimental studies and prediction algorithms are not available or were not evaluated, and the functional significance of this variant is currently unknown. In summary, the available evidence is currently insufficient to determine the role of this variant in disease. Therefore, it has been classified as a Variant of Uncertain Significance.

NM_001037333.3(CYFIP2):c.3595C>G (p.Pro1199Ala)

Genes: CYFIP2 (cytoplasmic FMR1 interacting protein 2; plus strand), NIPAL4-DT (NIPAL4 divergent transcript; minus strand). Cytogenetic location: 5q33.3.
Variant type: single nucleotide variant.
Coding change: c.3595C>G on transcript NM_001037333.3 (MANE Select); coding-DNA position 3595, C replaced by G.
Protein change: p.Pro1199Ala; replaces proline 1199 with alanine.
Molecular consequence: missense variant.
Genome position (GRCh38, 1-based): chr5:157,392,833, C>G. VCF-style: chr5-157392833-C-G. GRCh37 (hg19) VCF-style: chr5-156819841-C-G.
Other names: c.3517C>G, p.Pro1173Ala (NM_001291721.2); c.3670C>G, p.Pro1224Ala (NM_001291722.2); c.3595C>G, p.Pro1199Ala (NM_014376.4); short protein forms P1199A, P1224A, P1173A.
Identifiers: ClinVar variation 1382152 (VCV001382152.8), dbSNP rs1379295281, ClinGen allele CA361983308.